The following is an entry in ClinVar:

NM_006245.4(PPP2R5D):c.727-5C>T

Gene: PPP2R5D (protein phosphatase 2 regulatory subunit B'delta; plus strand). Cytogenetic location: 6p21.1.
Variant type: single nucleotide variant.
Coding change: c.727-5C>T on transcript NM_006245.4 (MANE Select); 5 bases into the intron before coding-DNA position 727, C replaced by T.
Molecular consequence: intron variant.
Genome position (GRCh38, 1-based): chr6:43,007,930, C>T. VCF-style: chr6-43007930-C-T. GRCh37 (hg19) VCF-style: chr6-42975668-C-T.
Other names: c.274-5C>T (NM_001270476.2); c.631-5C>T (NM_180976.3); c.409-5C>T (NM_180977.3).
Identifiers: ClinVar variation 797864 (VCV000797864.10), dbSNP rs748119144, ClinGen allele CA3811906.

ClinVar aggregate classification (germline): Likely benign. Review status: criteria provided, multiple submitters, no conflicts (2 of 4 stars). 2 submissions from 2 submitters: Likely benign (2). Last evaluated 2025-06-12.

Allele frequency attached by ClinVar (database versions not stated): ExAC 0.00001; gnomAD exomes 0.00002; TOPMed 0.00005; gnomAD 0.00009 and 0.00010.
gnomAD v4.1: 19 of 1,613,946 alleles (0.0012%); highest among the groups gnomAD compares: African/African-American, 0.024%; no homozygotes.

Submissions (2):

Labcorp Genetics (formerly Invitae), Labcorp
Classification: Likely benign. Last evaluated: 2025-06-12. Review status: criteria provided, single submitter. Criteria: Invitae Variant Classification Sherloc (09022015). Collection method: clinical testing. Allele origin: germline.

GeneDx
Classification: Likely benign. Last evaluated: 2021-06-09. Review status: criteria provided, single submitter. Criteria: GeneDx Variant Classification Process June 2021. Collection method: clinical testing. Allele origin: germline. Affected: yes.
Comment: This variant is associated with the following publications: (PMID: 27535533)